The following is an entry in ClinVar:

NC_000002.11:g.(?_47596635)_(47607118_?)dup

Genes: EPCAM (epithelial cell adhesion molecule; plus strand), MIR559 (microRNA 559; plus strand). Cytogenetic location: 2p21.
Variant type: Duplication.
Identifiers: ClinVar variation 639380 (VCV000639380.3).

ClinVar aggregate classification (germline): Uncertain significance (1 of 4 stars; one submission).

Conditions:
Hereditary nonpolyposis colorectal neoplasms. Identifiers: MedGen C0009405, MeSH D003123.

Submission:

Labcorp Genetics (formerly Invitae), Labcorp
Classification: Uncertain significance for Hereditary nonpolyposis colorectal neoplasms. Last evaluated: 2022-09-07. Review status: criteria provided, single submitter. Criteria: Invitae Variant Classification Sherloc (09022015). Collection method: clinical testing. Allele origin: germline.
Comment: This variant results in a copy number gain of the genomic region encompassing exon(s) 1-7 of the EPCAM gene. This region includes the initiator codon of the gene. This copy number gain extends beyond the assayed region for this gene and therefore may encompass additional genes. As the precise location of this event is unknown, it may be in tandem or it may be located elsewhere in the genome. This variant has not been reported in the literature in individuals affected with EPCAM-related conditions. Experimental studies and prediction algorithms are not available or were not evaluated, and the functional significance of this variant is currently unknown. In summary, the available evidence is currently insufficient to determine the role of this variant in disease. Therefore, it has been classified as a Variant of Uncertain Significance.